The following is an entry in ClinVar:

ClinVar aggregate classification (germline): Uncertain significance. Review status: criteria provided, multiple submitters, no conflicts (2 of 4 stars). 8 submissions from 8 submitters: Uncertain significance (8). Last evaluated 2025-11-26.

Conditions:
Hereditary cancer-predisposing syndrome. Also called: Tumor predisposition; Neoplastic Syndromes, Hereditary; Hereditary neoplastic syndrome; Hereditary Cancer Syndrome. Identifiers: Orphanet 140162, MedGen C0027672, MeSH D009386, MONDO:0015356.
Classic or attenuated familial adenomatous polyposis. Identifiers: MedGen CN372698, MONDO:0021057.
APC-related disorder. Also called: APC-related condition.
Familial adenomatous polyposis 1 (FAP1). Also called: POLYPOSIS, ADENOMATOUS INTESTINAL; FAMILIAL ADENOMATOUS POLYPOSIS 1, ATTENUATED. Identifiers: MedGen C2713442, MONDO:0021056, OMIM 175100. Disease mechanism: loss of function.

Allele frequency attached by ClinVar (database versions not stated): gnomAD exomes below 0.00001.
gnomAD v4.1: 1 of 1,609,036 alleles (0.000062%); highest among the groups gnomAD compares: Non-Finnish European, 0.000085%; no homozygotes.

Submissions (8):

Ambry Genetics
Classification: Uncertain significance for Hereditary cancer-predisposing syndrome. Last evaluated: 2025-11-26. Review status: criteria provided, single submitter. Criteria: Ambry Variant Classification Scheme 2023. Collection method: clinical testing. Allele origin: germline.
Comment: The p.Q2829R variant (also known as c.8486A>G), located in coding exon 15 of the APC gene, results from an A to G substitution at nucleotide position 8486. The glutamine at codon 2829 is replaced by arginine, an amino acid with highly similar properties. This amino acid position is highly conserved in available vertebrate species. In addition, in silico predictors for this gene do not accurately predict pathogenicity. Missense variants in APC are not a common cause of disease (Spier I et al. Genet Med. 2024 Feb;26(2):100992). Based on the available evidence, the clinical significance of this variant remains unclear.

Labcorp Genetics (formerly Invitae), Labcorp
Classification: Uncertain significance for Familial adenomatous polyposis 1. Last evaluated: 2025-11-17. Review status: criteria provided, single submitter. Criteria: Invitae Variant Classification Sherloc (09022015). Collection method: clinical testing. Allele origin: germline.
Comment: This sequence change replaces glutamine, which is neutral and polar, with arginine, which is basic and polar, at codon 2829 of the APC protein (p.Gln2829Arg). This variant is not present in population databases (gnomAD no frequency). This variant has not been reported in the literature in individuals affected with APC-related conditions. ClinVar contains an entry for this variant (Variation ID: 630917). Invitae Evidence Modeling of protein sequence and biophysical properties (such as structural, functional, and spatial information, amino acid conservation, physicochemical variation, residue mobility, and thermodynamic stability) indicates that this missense variant is not expected to disrupt APC protein function with a negative predictive value of 95%. In summary, the available evidence is currently insufficient to determine the role of this variant in disease. Therefore, it has been classified as a Variant of Uncertain Significance.

GeneDx
Classification: Uncertain significance. Last evaluated: 2025-07-17. Review status: criteria provided, single submitter. Criteria: GeneDx Variant Classification Process June 2021. Collection method: clinical testing. Allele origin: germline. Affected: yes.
Comment: Not observed at significant frequency in large population cohorts (gnomAD); In silico analysis suggests that this missense variant does not alter protein structure/function; Has not been previously published as pathogenic or benign to our knowledge; This variant is associated with the following publications: (PMID: 18199528)

All of Us Research Program, National Institutes of Health
Classification: Uncertain significance for Classic or attenuated familial adenomatous polyposis. Last evaluated: 2024-07-29. Review status: criteria provided, single submitter. Criteria: ACMG Guidelines, 2015. Collection method: clinical testing. Allele origin: germline. Inheritance: Autosomal dominant inheritance. Observed: 2 variant alleles, 2 heterozygotes.
Comment: This missense variant replaces glutamine with arginine at codon 2829 of the APC protein. Computational prediction suggests that this variant may not impact protein structure and function (internally defined REVEL score threshold <= 0.5, PMID: 27666373). To our knowledge, functional studies have not been reported for this variant. This variant has not been reported in individuals affected with APC-related disorders in the literature. This variant has not been identified in the general population by the Genome Aggregation Database (gnomAD). The available evidence is insufficient to determine the role of this variant in disease conclusively. Therefore, this variant is classified as a Variant of Uncertain Significance.

This study involves interpretation of variants in research participants for the purpose of population health screening. Participant phenotype was not available at the time of variant classification. Additional details can be found in publication PMID: 35346344, PMCID: PMC8962531

Color Diagnostics, LLC DBA Color Health
Classification: Uncertain significance for Hereditary cancer-predisposing syndrome. Last evaluated: 2024-06-25. Review status: criteria provided, single submitter. Criteria: ACMG Guidelines, 2015. Collection method: clinical testing. Allele origin: germline.
Comment: This missense variant replaces glutamine with arginine at codon 2829 of the APC protein. Computational prediction suggests that this variant may not impact protein structure and function (internally defined REVEL score threshold <= 0.5, PMID: 27666373). To our knowledge, functional studies have not been reported for this variant. This variant has not been reported in individuals affected with APC-related disorders in the literature. This variant has not been identified in the general population by the Genome Aggregation Database (gnomAD). The available evidence is insufficient to determine the role of this variant in disease conclusively. Therefore, this variant is classified as a Variant of Uncertain Significance.

Quest Diagnostics Nichols Institute San Juan Capistrano
Classification: Uncertain significance. Last evaluated: 2024-05-16. Review status: criteria provided, single submitter. Criteria: Quest Diagnostics criteria. Collection method: clinical testing. Allele origin: unknown.
Comment: The APC c.8486A>G (p.Gln2829Arg) variant has not been reported in individuals with APC-related conditions in the published literature. It also has not been reported in large, multi-ethnic general populations (Genome Aggregation Database). Analysis of this variant using bioinformatics tools for the prediction of the effect of amino acid changes on protein structure and function yielded predictions that this variant is damaging. Based on the available information, we are unable to determine the clinical significance of this variant.

PreventionGenetics, part of Exact Sciences
Classification: Uncertain significance for APC-related condition. Last evaluated: 2023-10-04. Review status: criteria provided, single submitter. Criteria: ACMG Guidelines, 2015. Collection method: clinical testing. Allele origin: germline.
Comment: The APC c.8486A>G variant is predicted to result in the amino acid substitution p.Gln2829Arg. To our knowledge, this variant has not been reported in the literature or in a large population database, indicating this variant is rare. This variant is reported with uncertain significance in ClinVar. At this time, the clinical significance of this variant is uncertain due to the absence of conclusive functional and genetic evidence.

Baylor Genetics
Classification: Uncertain significance for Familial adenomatous polyposis 1. Last evaluated: 2023-06-05. Review status: criteria provided, single submitter. Criteria: ACMG Guidelines, 2015. Collection method: clinical testing. Allele origin: unknown.

NM_000038.6(APC):c.8486A>G (p.Gln2829Arg)

Gene: APC (APC regulator of Wnt signaling pathway; plus strand). Cytogenetic location: 5q22.2.
Variant type: single nucleotide variant.
Coding change: c.8486A>G on transcript NM_000038.6 (MANE Select); coding-DNA position 8486, A replaced by G.
Protein change: p.Gln2829Arg; replaces glutamine 2829 with arginine.
Molecular consequence: missense variant.
Genome position (GRCh38, 1-based): chr5:112,844,080, A>G. VCF-style: chr5-112844080-A-G. GRCh37 (hg19) VCF-style: chr5-112179777-A-G.
Other names: c.8486A>G, p.Gln2829Arg (NM_001127510.3, NM_001354895.2); c.8432A>G, p.Gln2811Arg (NM_001127511.3); c.8540A>G, p.Gln2847Arg (NM_001354896.2); c.8516A>G, p.Gln2839Arg (NM_001354897.2); c.8411A>G, p.Gln2804Arg (NM_001354898.2); c.8402A>G, p.Gln2801Arg (NM_001354899.2); c.8363A>G, p.Gln2788Arg (NM_001354900.2); c.8309A>G, p.Gln2770Arg (NM_001354901.2); and 5 more; short protein forms Q2811R, Q2829R, Q2669R, Q2703R, Q2738R, Q2546R, Q2770R, Q2847R.
Identifiers: ClinVar variation 630917 (VCV000630917.23), dbSNP rs1561623710, ClinGen allele CA16039739.